The following is an entry in ClinVar:

NM_000260.4(MYO7A):c.1288C>T (p.Arg430Cys)

Gene: MYO7A (myosin VIIA; plus strand). Cytogenetic location: 11q13.5.
Variant type: single nucleotide variant.
Coding change: c.1288C>T on transcript NM_000260.4 (MANE Select); coding-DNA position 1288, C replaced by T.
Protein change: p.Arg430Cys; replaces arginine 430 with cysteine.
Molecular consequence: missense variant.
Genome position (GRCh38, 1-based): chr11:77,161,060, C>T. VCF-style: chr11-77161060-C-T. GRCh37 (hg19) VCF-style: chr11-76872106-C-T.
Other names: c.1288C>T, p.Arg430Cys (NM_001127180.2); c.1255C>T, p.Arg419Cys (NM_001369365.1); short protein forms R430C, R419C.
Identifiers: ClinVar variation 228999 (VCV000228999.29), dbSNP rs201839693, ClinGen allele CA6197444.

ClinVar aggregate classification (germline): Conflicting classifications of pathogenicity. Review status: criteria provided, conflicting classifications (1 of 4 stars). 14 submissions from 10 submitters: Uncertain significance (10); Likely benign (2). 2 of the submissions do not count toward it. Last evaluated 2026-08-07.

Conditions:
Inborn genetic diseases. Identifiers: MedGen C0950123, MeSH D030342.
Usher syndrome type 1 (USH1). Also called: RETINITIS PIGMENTOSA AND CONGENITAL DEAFNESS. Identifiers: Orphanet 231169, Orphanet 886, MedGen C1568247, MONDO:0010168, OMIM 276900.
Autosomal dominant nonsyndromic hearing loss 11. Identifiers: Orphanet 90635, MedGen C1832475, MONDO:0011032, OMIM 601317.
Usher syndrome type 1B (USH1B). Also called: Usher syndrome type IB. Identifiers: MedGen C1848638, MONDO:0700087.
Autosomal recessive nonsyndromic hearing loss 2. Also called: NEUROSENSORY NONSYNDROMIC RECESSIVE DEAFNESS 2; DEAFNESS, AUTOSOMAL RECESSIVE 2. Identifiers: Orphanet 90636, MedGen C1838701, MONDO:0010807, OMIM 600060.
Retinal dystrophy. Also called: Inherited retinal dystrophy. Identifiers: Orphanet 71862, MedGen C0854723, MeSH D058499, MONDO:0019118, HP:0000556.

Allele frequency attached by ClinVar (database versions not stated): gnomAD exomes 0.00012; ExAC 0.00018; gnomAD 0.00021 and 0.00023; TOPMed 0.00026; ESP Exome Variant Server 0.00040.
gnomAD v4.1: 158 of 1,613,952 alleles (0.0098%); highest among the groups gnomAD compares: Middle Eastern, 0.082%; no homozygotes.

Submissions (14):

GeneDx
Classification: Uncertain significance. Last evaluated: 2026-08-07. Review status: criteria provided, single submitter. Criteria: GeneDx Variant Classification Process June 2021. Collection method: clinical testing. Allele origin: germline.
Comment: In silico analysis supports that this missense variant has a deleterious effect on protein structure/function; Observed with a pathogenic variant phase unknown in a family with congenital hearing loss, but segregation information for both variants is not clear (PMID: 41498812); This variant is associated with the following publications: (PMID: 35885997, 41498812)

Labcorp Genetics (formerly Invitae), Labcorp
Classification: Likely benign. Last evaluated: 2026-01-20. Review status: criteria provided, single submitter. Criteria: Invitae Variant Classification Sherloc (09022015). Collection method: clinical testing. Allele origin: germline.

Ambry Genetics
Classification: Uncertain significance for Inborn genetic diseases. Last evaluated: 2024-08-27. Review status: criteria provided, single submitter. Criteria: Ambry Variant Classification Scheme 2023. Collection method: clinical testing. Allele origin: germline.

Blueprint Genetics
Classification: Uncertain significance. Last evaluated: 2024-04-11. Review status: criteria provided, single submitter. Criteria: ACMG Guidelines, 2015. Collection method: clinical testing. Allele origin: germline.

Genome-Nilou Lab
Classification: Likely benign for Autosomal dominant nonsyndromic hearing loss 11. Last evaluated: 2021-07-14. Review status: criteria provided, single submitter. Criteria: ACMG Guidelines, 2015. Collection method: clinical testing. Allele origin: germline. Affected: no.

Genome-Nilou Lab
Classification: Uncertain significance for Autosomal recessive nonsyndromic hearing loss 2. Last evaluated: 2021-07-14. Review status: criteria provided, single submitter. Criteria: ACMG Guidelines, 2015. Collection method: clinical testing. Allele origin: germline. Affected: no.

Genome-Nilou Lab
Classification: Uncertain significance for Usher syndrome type 1. Last evaluated: 2021-07-14. Review status: criteria provided, single submitter. Criteria: ACMG Guidelines, 2015. Collection method: clinical testing. Allele origin: germline. Affected: no.

Illumina Laboratory Services, Illumina
Classification: Uncertain significance for Autosomal dominant nonsyndromic hearing loss 11. Last evaluated: 2018-01-12. Review status: criteria provided, single submitter. Criteria: ICSL Variant Classification Criteria 13 December 2019. Collection method: clinical testing. Allele origin: germline.

Illumina Laboratory Services, Illumina
Classification: Uncertain significance for Autosomal recessive nonsyndromic hearing loss 2. Last evaluated: 2018-01-12. Review status: criteria provided, single submitter. Criteria: ICSL Variant Classification Criteria 13 December 2019. Collection method: clinical testing. Allele origin: germline.

Illumina Laboratory Services, Illumina
Classification: Uncertain significance for Usher syndrome type 1. Last evaluated: 2018-01-12. Review status: criteria provided, single submitter. Criteria: ICSL Variant Classification Criteria 13 December 2019. Collection method: clinical testing. Allele origin: germline.

Laboratory for Molecular Medicine, Mass General Brigham Personalized Medicine
Classification: Uncertain significance. Last evaluated: 2016-03-31. Review status: criteria provided, single submitter. Criteria: LMM Criteria. Collection method: clinical testing. Allele origin: germline. Observed: 1 variant allele.
Comment: The p.Arg430Cys variant in MYO7A has not been previously reported in individuals with hearing loss, but has been identified in 6/9550 of African chromosomes by the Exome Aggregation Consortium (ExAC; dbSNP rs 201839693). Although this variant has been seen in the general population, its frequency is not high enough to rule out a pathogenic role. Computational predic tion tools and conservation analysis suggest that the p.Arg430Cys variant may im pact the protein, though this information is not predictive enough to determine pathogenicity. In summary, the clinical significance of the p.Arg430Cys variant is uncertain.

Eurofins Ntd Llc (ga)
Classification: Uncertain significance. Last evaluated: 2016-03-01. Review status: criteria provided, single submitter. Criteria: EGL Classification Definitions 2015. Collection method: clinical testing. Allele origin: germline. Observed: 1 variant allele, 1 heterozygote.

Institute of Human Genetics, Univ. Regensburg, Univ. Regensburg
Classification: Uncertain significance for Retinal dystrophy. Last evaluated: 2021-01-01. Review status: no assertion criteria provided. Criteria: ACMG Guidelines, 2015. Collection method: clinical testing. Allele origin: germline. Affected: yes. Not counted in ClinVar's aggregate classification.

Natera, Inc.
Classification: Uncertain significance for Usher syndrome type 1B. Last evaluated: 2020-04-16. Review status: no assertion criteria provided. Collection method: clinical testing. Allele origin: germline. Not counted in ClinVar's aggregate classification.